The following is an entry in ClinVar:

ClinVar aggregate classification (germline): Uncertain significance. Review status: criteria provided, multiple submitters, no conflicts (2 of 4 stars). 2 submissions from 2 submitters: Uncertain significance (2). Last evaluated 2026-01-01.

Conditions:
Atrioventricular septal defect 4 (AVSD4). Identifiers: MedGen C3280781, MONDO:0013747, OMIM 614430.

gnomAD v4.1: 3 of 1,614,186 alleles (0.00019%); highest among the groups gnomAD compares: South Asian, 0.0011%; no homozygotes.

Submissions (2):

Labcorp Genetics (formerly Invitae), Labcorp
Classification: Uncertain significance for Atrioventricular septal defect 4. Last evaluated: 2026-01-01. Review status: criteria provided, single submitter. Criteria: Invitae Variant Classification Sherloc (09022015). Collection method: clinical testing. Allele origin: germline.
Comment: This sequence change replaces alanine, which is neutral and non-polar, with serine, which is neutral and polar, at codon 343 of the GATA4 protein (p.Ala343Ser). This variant is not present in population databases (gnomAD no frequency). This variant has not been reported in the literature in individuals affected with GATA4-related conditions. Invitae Evidence Modeling of protein sequence and biophysical properties (such as structural, functional, and spatial information, amino acid conservation, physicochemical variation, residue mobility, and thermodynamic stability) indicates that this missense variant is not expected to disrupt GATA4 protein function with a negative predictive value of 95%. In summary, the available evidence is currently insufficient to determine the role of this variant in disease. Therefore, it has been classified as a Variant of Uncertain Significance.

Blueprint Genetics
Classification: Uncertain significance. Last evaluated: 2021-11-10. Review status: criteria provided, single submitter. Criteria: ACMG Guidelines, 2015. Collection method: clinical testing. Allele origin: germline.

NM_001308093.3(GATA4):c.1030G>T (p.Ala344Ser)

Gene: GATA4 (GATA binding protein 4). Cytogenetic location: 8p23.1.
Variant type: single nucleotide variant.
Coding change: c.1030G>T on transcript NM_001308093.3 (MANE Select); coding-DNA position 1030, G replaced by T.
Protein change: p.Ala344Ser; replaces alanine 344 with serine.
Molecular consequence: missense variant.
Genome position (GRCh38, 1-based): chr8:11,756,964, G>T. VCF-style: chr8-11756964-G-T. GRCh37 (hg19) VCF-style: chr8-11614473-G-T.
Other names: c.409G>T, p.Ala137Ser (NM_001308094.2, NM_001374273.1); c.283G>T, p.Ala95Ser (NM_001374274.1); c.1027G>T, p.Ala343Ser (NM_002052.5); short protein forms A343S, A344S, A95S, A137S.
Identifiers: ClinVar variation 4706160 (VCV004706160.2).